The following is an entry in ClinVar:

ClinVar aggregate classification (germline): Pathogenic. Review status: criteria provided, single submitter (1 of 4 stars). 2 submissions from 2 submitters: Pathogenic (1). 1 of the submissions does not count toward it. Last evaluated 2017-11-03.

Conditions:
Ehlers-Danlos syndrome, classic type, 1 (EDSCL1). Also called: Ehlers-Danlos Syndrome, Classic Type, COL5A1-Related; EDS I; Ehlers-Danlos syndrome, type 1; EHLERS-DANLOS SYNDROME, GRAVIS TYPE; EHLERS-DANLOS SYNDROME, SEVERE CLASSIC TYPE. Identifiers: MedGen C0268335, MONDO:0019567, OMIM 130000.

Submissions (2):

GeneDx
Classification: Pathogenic. Last evaluated: 2017-11-03. Review status: criteria provided, single submitter. Criteria: GeneDx Variant Classification (06012015). Collection method: clinical testing. Allele origin: germline. Affected: yes.
Comment: The c.3906+3G>T variant in the COL5A1 gene has been reported previously as de novo in an individual with classical Ehlers-Danlos syndrome (Nicholls et al., 1996). This splice site variant destroys the canonical splice donor site in intron 49, and functional studies demonstrate abnormal gene splicing with the loss of exon 49 (Nicholls et al., 1996). The c.3906+3G>T variant is not observed in large population cohorts (Lek et al., 2016). We interpret c.3906+3G>T as a pathogenic variant.

OMIM
Classification: Pathogenic for EHLERS-DANLOS SYNDROME, CLASSIC TYPE, 1. Last evaluated: 1996-11-01. Review status: no assertion criteria provided. Collection method: literature only. Allele origin: germline. Not counted in ClinVar's aggregate classification.

Literature cited by the submitters: PubMed 8950675 (cited by OMIM); PubMed 8575750 (cited by OMIM).

NM_000093.5(COL5A1):c.3906+3G>T

Gene: COL5A1 (collagen type V alpha 1 chain; plus strand). Cytogenetic location: 9q34.3.
Variant type: single nucleotide variant.
Coding change: c.3906+3G>T on transcript NM_000093.5 (MANE Select); 3 bases into the intron after coding-DNA position 3906, G replaced by T.
Molecular consequence: intron variant.
Genome position (GRCh38, 1-based): chr9:134,814,039, G>T. VCF-style: chr9-134814039-G-T. GRCh37 (hg19) VCF-style: chr9-137705885-G-T.
Other names: IVS49DS, G-T, +3; c.3906+3G>T (NM_001278074.1).
Identifiers: ClinVar variation 17183 (VCV000017183.2), dbSNP rs786200922, ClinGen allele CA281063.